The following is an entry in ClinVar:

NM_001845.6(COL4A1):c.1432C>T (p.Pro478Ser)

Gene: COL4A1 (collagen type IV alpha 1 chain; minus strand). Cytogenetic location: 13q34.
Variant type: single nucleotide variant.
Coding change: c.1432C>T on transcript NM_001845.6 (MANE Select); coding-DNA position 1432, C replaced by T.
Protein change: p.Pro478Ser; replaces proline 478 with serine.
Molecular consequence: missense variant.
Genome position (GRCh38, 1-based): chr13:110,192,863, G>A on the plus strand (C>T on the coding strand, the complement: COL4A1 is on the minus strand). VCF-style: chr13-110192863-G-A. GRCh37 (hg19) VCF-style: chr13-110845210-G-A.
Other names: c.1432C>T, p.Pro478Ser (NM_001303110.2); short protein forms P478S.
Identifiers: ClinVar variation 1438458 (VCV001438458.7), dbSNP rs2139180090, ClinGen allele CA388723533.

ClinVar aggregate classification (germline): Uncertain significance. Review status: criteria provided, multiple submitters, no conflicts (2 of 4 stars). 2 submissions from 2 submitters: Uncertain significance (2). Last evaluated 2025-10-31.

Conditions:
COL4A1-related disorder. Also called: COL4A1-related disorders; COL4A1-related condition. Identifiers: MedGen CN376119, MONDO:0800461.

Allele frequency attached by ClinVar (database versions not stated): gnomAD exomes below 0.00001.
gnomAD v4.1: 1 of 1,614,030 alleles (0.000062%); highest among the groups gnomAD compares: Non-Finnish European, 0.000085%; no homozygotes.

Submissions (2):

3billion
Classification: Uncertain significance for COL4A1-related disorder. Last evaluated: 2025-10-31. Review status: criteria provided, single submitter. Criteria: ACMG Guidelines, 2015. Collection method: clinical testing. Allele origin: germline. Affected: yes.
Comment: The variant is observed at an extremely low frequency in the gnomAD v4.1.0 dataset (total allele frequency: <0.001%). Predicted Consequence/Location: Missense variant The variant has been reported as of uncertain significance (ClinVar ID: VCV001438458). Therefore, this variant is classified as VUS according to the recommendation of ACMG/AMP guideline.

Labcorp Genetics (formerly Invitae), Labcorp
Classification: Uncertain significance. Last evaluated: 2025-06-20. Review status: criteria provided, single submitter. Criteria: Invitae Variant Classification Sherloc (09022015). Collection method: clinical testing. Allele origin: germline.
Comment: This sequence change replaces proline, which is neutral and non-polar, with serine, which is neutral and polar, at codon 478 of the COL4A1 protein (p.Pro478Ser). This variant is not present in population databases (gnomAD no frequency). This variant has not been reported in the literature in individuals affected with COL4A1-related conditions. ClinVar contains an entry for this variant (Variation ID: 1438458). Invitae Evidence Modeling of protein sequence and biophysical properties (such as structural, functional, and spatial information, amino acid conservation, physicochemical variation, residue mobility, and thermodynamic stability) indicates that this missense variant is not expected to disrupt COL4A1 protein function with a negative predictive value of 95%. In summary, the available evidence is currently insufficient to determine the role of this variant in disease. Therefore, it has been classified as a Variant of Uncertain Significance.